The following is an entry in ClinVar:

NM_001367823.1(ARHGEF18):c.4028C>T (p.Pro1343Leu)

Gene: ARHGEF18 (Rho/Rac guanine nucleotide exchange factor 18; plus strand). Cytogenetic location: 19p13.2.
Variant type: single nucleotide variant.
Coding change: c.4028C>T on transcript NM_001367823.1 (MANE Select); coding-DNA position 4028, C replaced by T.
Protein change: p.Pro1343Leu; replaces proline 1343 with leucine.
Molecular consequence: missense variant.
Genome position (GRCh38, 1-based): chr19:7,470,240, C>T. VCF-style: chr19-7470240-C-T. GRCh37 (hg19) VCF-style: chr19-7535126-C-T.
Other names: c.3302C>T, p.Pro1101Leu (NM_001130955.2); c.2990C>T, p.Pro997Leu (NM_001367824.1, NM_015318.4); short protein forms P1101L, P1343L, P997L.
Identifiers: ClinVar variation 725238 (VCV000725238.14), dbSNP rs200343726, ClinGen allele CA9137343.

ClinVar aggregate classification (germline): Benign/Likely benign. Review status: criteria provided, multiple submitters, no conflicts (2 of 4 stars). 3 submissions from 3 submitters: Benign (1); Likely benign (1). 1 of the submissions does not count toward it. Last evaluated 2026-01-06.

Conditions:
ARHGEF18-related disorder. Also called: ARHGEF18-related condition.

Allele frequency attached by ClinVar (database versions not stated): 1000 Genomes Project 30x 0.00016; TOPMed 0.00016; 1000 Genomes Project 0.00020; gnomAD exomes 0.00046 and 0.00103; gnomAD 0.00073 and 0.00077; ExAC 0.00118.
gnomAD v4.1: 797 of 1,606,508 alleles (0.05%); highest among the groups gnomAD compares: Admixed American, 0.029%; 3 homozygotes.

Submissions (3):

Labcorp Genetics (formerly Invitae), Labcorp
Classification: Benign. Last evaluated: 2026-01-06. Review status: criteria provided, single submitter. Criteria: Invitae Variant Classification Sherloc (09022015). Collection method: clinical testing. Allele origin: germline.

Blueprint Genetics
Classification: Likely benign. Last evaluated: 2024-10-28. Review status: criteria provided, single submitter. Criteria: ACMG Guidelines, 2015. Collection method: clinical testing. Allele origin: germline.

PreventionGenetics, part of Exact Sciences
Classification: Benign for ARHGEF18-related condition. Last evaluated: 2019-07-12. Review status: no assertion criteria provided. Collection method: clinical testing. Allele origin: germline. Not counted in ClinVar's aggregate classification.
Comment: This variant is classified as benign based on ACMG/AMP sequence variant interpretation guidelines (Richards et al. 2015 PMID: 25741868, with internal and published modifications).